The following is an entry in ClinVar:

ClinVar aggregate classification (germline): Likely benign. Review status: criteria provided, multiple submitters, no conflicts (2 of 4 stars). 3 submissions from 3 submitters: Likely benign (3). Last evaluated 2025-12-29.

Conditions:
RETREG1-related disorder. Also called: RETREG1-related condition.

Allele frequency attached by ClinVar (database versions not stated): TOPMed 0.00002.
gnomAD v4.1: 15 of 1,485,008 alleles (0.001%); highest among the groups gnomAD compares: Admixed American, 0.018%; no homozygotes.

Submissions (3):

PreventionGenetics, part of Exact Sciences
Classification: Likely benign for RETREG1-related condition. Last evaluated: 2025-12-29. Review status: criteria provided, single submitter. Criteria: ACMG Guidelines, 2015. Collection method: clinical testing. Allele origin: germline.
Comment: This variant is classified as likely benign based on ACMG/AMP sequence variant interpretation guidelines (Richards et al. 2015 PMID: 25741868, with internal and published modifications).

Labcorp Genetics (formerly Invitae), Labcorp
Classification: Likely benign. Last evaluated: 2019-07-10. Review status: criteria provided, single submitter. Criteria: Invitae Variant Classification Sherloc (09022015). Collection method: clinical testing. Allele origin: germline.

GeneDx
Classification: Likely benign. Last evaluated: 2018-05-10. Review status: criteria provided, single submitter. Criteria: GeneDx Variant Classification (06012015). Collection method: clinical testing. Allele origin: germline. Affected: yes.
Comment: This variant is considered likely benign or benign based on one or more of the following criteria: it is a conservative change, it occurs at a poorly conserved position in the protein, it is predicted to be benign by multiple in silico algorithms, and/or has population frequency not consistent with disease.

NM_001034850.3(RETREG1):c.87G>T (p.Pro29=)

Genes: RETREG1 (reticulophagy regulator 1; minus strand), RETREG1-AS1 (RETREG1 antisense RNA 1; plus strand), LOC129993734 (ATAC-STARR-seq lymphoblastoid silent region 15947; plus strand). Cytogenetic location: 5p15.1.
Variant type: single nucleotide variant.
Coding change: c.87G>T on transcript NM_001034850.3 (MANE Select); coding-DNA position 87, G replaced by T.
Protein change: p.Pro29=; no amino-acid change (proline 29 retained).
Molecular consequence: synonymous variant.
Genome position (GRCh38, 1-based): chr5:16,616,885, C>A on the plus strand (G>T on the coding strand, the complement: RETREG1 is on the minus strand). VCF-style: chr5-16616885-C-A. GRCh37 (hg19) VCF-style: chr5-16616994-C-A.
Identifiers: ClinVar variation 668275 (VCV000668275.11), dbSNP rs1028458629, ClinGen allele CA443418750.